The following is an entry in ClinVar:

NM_000390.4(CHM):c.1454T>G (p.Phe485Cys)

Gene: CHM (CHM Rab escort protein; minus strand). Cytogenetic location: Xq21.2.
Variant type: single nucleotide variant.
Coding change: c.1454T>G on transcript NM_000390.4 (MANE Select); coding-DNA position 1454, T replaced by G.
Protein change: p.Phe485Cys; replaces phenylalanine 485 with cysteine.
Molecular consequence: missense variant.
Genome position (GRCh38, 1-based): chrX:85,894,244, A>C on the plus strand (T>G on the coding strand, the complement: CHM is on the minus strand). VCF-style: chrX-85894244-A-C. GRCh37 (hg19) VCF-style: chrX-85149249-A-C.
Other names: c.1010T>G, p.Phe337Cys (NM_001320959.1, NM_001362517.1, NM_001362518.2 and 1 more transcripts); short protein forms F485C, F337C.
Identifiers: ClinVar variation 859910 (VCV000859910.9), dbSNP rs1925673491, ClinGen allele CA413788530.

ClinVar aggregate classification (germline): Uncertain significance (1 of 4 stars; one submission).

Allele frequency attached by ClinVar (database versions not stated): gnomAD 0.00001; TOPMed 0.00001.
gnomAD v4.1: 1 of 1,209,187 alleles (0.000083%); highest among the groups gnomAD compares: Admixed American, 0.0022%; no homozygotes.

Submission:

Labcorp Genetics (formerly Invitae), Labcorp
Classification: Uncertain significance. Last evaluated: 2024-03-31. Review status: criteria provided, single submitter. Criteria: Invitae Variant Classification Sherloc (09022015). Collection method: clinical testing. Allele origin: germline.
Comment: This sequence change replaces phenylalanine, which is neutral and non-polar, with cysteine, which is neutral and slightly polar, at codon 485 of the CHM protein (p.Phe485Cys). This variant is not present in population databases (gnomAD no frequency). This variant has not been reported in the literature in individuals affected with CHM-related conditions. ClinVar contains an entry for this variant (Variation ID: 859910). Advanced modeling of protein sequence and biophysical properties (such as structural, functional, and spatial information, amino acid conservation, physicochemical variation, residue mobility, and thermodynamic stability) performed at Invitae indicates that this missense variant is not expected to disrupt CHM protein function with a negative predictive value of 80%. In summary, the available evidence is currently insufficient to determine the role of this variant in disease. Therefore, it has been classified as a Variant of Uncertain Significance.